The following is an entry in ClinVar:

ClinVar aggregate classification (germline): Pathogenic/Likely pathogenic. Review status: criteria provided, multiple submitters, no conflicts (2 of 4 stars). 4 submissions from 4 submitters: Pathogenic (2); Likely pathogenic (2). Last evaluated 2025-07-09.

Conditions:
Fabry disease. Also called: Fabry's disease; CERAMIDE TRIHEXOSIDASE DEFICIENCY; Angiokeratoma corporis diffusum; GLA DEFICIENCY; HEREDITARY DYSTOPIC LIPIDOSIS; ALPHA-GALACTOSIDASE A DEFICIENCY. Identifiers: Orphanet 324, MedGen C0002986, MONDO:0010526, OMIM 301500, HP:0001071. Disease mechanism: loss of function, Fabry disease is due to inactivating mutations in the X-linked GLA gene resulting in deficiency of the enzyme Alpha Galactosidase-A..

Submissions (4):

Mayo Clinic Laboratories, Mayo Clinic
Classification: Likely pathogenic. Last evaluated: 2025-07-09. Review status: criteria provided, single submitter. Criteria: ACMG Guidelines, 2015. Collection method: clinical testing. Allele origin: germline. Observed: 1 variant allele.
Comment: PP4, PM2_supporting, PVS1

Genome-Nilou Lab
Classification: Pathogenic for Fabry disease. Last evaluated: 2021-07-15. Review status: criteria provided, single submitter. Criteria: ACMG Guidelines, 2015. Collection method: clinical testing. Allele origin: germline. Affected: no.

GeneDx
Classification: Likely pathogenic. Last evaluated: 2018-03-29. Review status: criteria provided, single submitter. Criteria: GeneDx Variant Classification (06012015). Collection method: clinical testing. Allele origin: germline. Affected: yes.
Comment: The c.1019_1020insA variant has not been published as a pathogenic variant, nor has it been reported as a benign variant to our knowledge. The c.1019_1020insA variant is not observed in large population cohorts (Lek et al., 2016). The insertion causes the replacement of a Tryptophan residue at position 340 with a Stop codon, denoted p.Trp340Ter. This variant is predicted to cause loss of normal protein function through protein truncation. In summary, we interpret c.1019_1020insA to be a likely pathogenic variant. Approximately 60-70% of females with a single GLA variant have some disease manifestations, and 10% of these individuals present with a disease severity that is similar to that of affected males (Bennett et al., 2002).

Eurofins Ntd Llc (ga)
Classification: Pathogenic. Last evaluated: 2012-11-26. Review status: criteria provided, single submitter. Criteria: EGL Classification Definitions 2015. Collection method: clinical testing. Allele origin: germline. Observed: 1 variant allele, 1 heterozygote.

NM_000169.3(GLA):c.1019_1020insA (p.Trp340Ter)

Genes: GLA (galactosidase alpha; minus strand), RPL36A-HNRNPH2 (RPL36A-HNRNPH2 readthrough; plus strand). Cytogenetic location: Xq22.1.
Variant type: Insertion.
Coding change: c.1019_1020insA on transcript NM_000169.3 (MANE Select); coding-DNA positions 1019 to 1020, A inserted.
Protein change: p.Trp340Ter; replaces tryptophan 340 with a stop codon.
Molecular consequence: nonsense. On other transcripts: non-coding transcript variant (3), intron variant (2).
Genome position: GRCh38 VCF-style: chrX-101398079-C-CT. GRCh37 (hg19) VCF-style: chrX-100653067-C-CT.
Other names: p.Trp340*; c.1142_1143insA, p.Trp381Ter (NM_001406747.1); c.300+2622_300+2623insT (NM_001199973.2); c.177+6257_177+6258insT (NM_001199974.2); short protein forms W340*, W381*.
Identifiers: ClinVar variation 92537 (VCV000092537.8), dbSNP rs398123197, ClinGen allele CA021286.
Genomic context (GRCh38, chrX:101,398,079, plus strand): 5'-ACCAATCTCCTGCCGGTTTATCATAGCTACAGCCCAGGCTAAGCCTGAGAGAGGTCGTTC[C>CT]CACACTTCAAAGTTGTCTCCCTGAAAAACCAAGAAAGTGTGGTTGCTTAGCAACTAGTGA-3'